The following is an entry in ClinVar:

ClinVar aggregate classification (germline): Conflicting classifications of pathogenicity. Review status: criteria provided, conflicting classifications (1 of 4 stars). 4 submissions from 4 submitters: Uncertain significance (3); Likely benign (1). Last evaluated 2026-01-12.

Conditions:
Breast-ovarian cancer, familial, susceptibility to, 3. Also called: RAD51C-Related Breast/Ovarian Cancer. Identifiers: Orphanet 145, MedGen C3150659, MONDO:0013253, OMIM 613399.
Fanconi anemia complementation group O. Also called: RAD51C-Related Fanconi Anemia. Identifiers: Orphanet 84, MedGen C3150653, MONDO:0013248, OMIM 613390.
Hereditary cancer-predisposing syndrome. Also called: Hereditary neoplastic syndrome; Tumor predisposition; Neoplastic Syndromes, Hereditary; Hereditary Cancer Syndrome. Identifiers: Orphanet 140162, MedGen C0027672, MeSH D009386, MONDO:0015356.

Allele frequency attached by ClinVar (database versions not stated): gnomAD exomes below 0.00001; TOPMed below 0.00001; gnomAD 0.00001.
gnomAD v4.1: 3 of 1,610,484 alleles (0.00019%); highest among the groups gnomAD compares: Non-Finnish European, 0.00025%; no homozygotes.

Submissions (4):

Labcorp Genetics (formerly Invitae), Labcorp
Classification: Uncertain significance for Fanconi anemia complementation group O. Last evaluated: 2026-01-12. Review status: criteria provided, single submitter. Criteria: Invitae Variant Classification Sherloc (09022015). Collection method: clinical testing. Allele origin: germline.
Comment: This sequence change replaces proline, which is neutral and non-polar, with leucine, which is neutral and non-polar, at codon 247 of the RAD51C protein (p.Pro247Leu). This variant is not present in population databases (gnomAD no frequency). This variant has not been reported in the literature in individuals affected with RAD51C-related conditions. ClinVar contains an entry for this variant (Variation ID: 950391). Invitae Evidence Modeling of protein sequence and biophysical properties (such as structural, functional, and spatial information, amino acid conservation, physicochemical variation, residue mobility, and thermodynamic stability) indicates that this missense variant is not expected to disrupt RAD51C protein function with a negative predictive value of 80%. In summary, the available evidence is currently insufficient to determine the role of this variant in disease. Therefore, it has been classified as a Variant of Uncertain Significance.

Ambry Genetics
Classification: Likely benign for Hereditary cancer-predisposing syndrome. Last evaluated: 2025-10-09. Review status: criteria provided, single submitter. Criteria: Ambry Variant Classification Scheme 2023. Collection method: clinical testing. Allele origin: germline.

Color Diagnostics, LLC DBA Color Health
Classification: Uncertain significance for Hereditary cancer-predisposing syndrome. Last evaluated: 2025-03-24. Review status: criteria provided, single submitter. Criteria: ACMG Guidelines, 2015. Collection method: clinical testing. Allele origin: germline.
Comment: This missense variant replaces proline with leucine at codon 247 of the RAD51C protein. Computational prediction suggests that this variant may not impact protein structure and function (internally defined REVEL score threshold <= 0.5, PMID: 27666373). To our knowledge, functional studies have not been reported for this variant. This variant has not been reported in individuals affected with RAD51C-related disorders in the literature. This variant has not been identified in the general population by the Genome Aggregation Database (gnomAD). The available evidence is insufficient to determine the role of this variant in disease conclusively. Therefore, this variant is classified as a Variant of Uncertain Significance.

Fulgent Genetics
Classification: Uncertain significance for Fanconi anemia complementation group O; Breast-ovarian cancer, familial, susceptibility to, 3. Last evaluated: 2022-05-09. Review status: criteria provided, single submitter. Criteria: ACMG Guidelines, 2015. Collection method: clinical testing. Allele origin: unknown.

NM_058216.3(RAD51C):c.740C>T (p.Pro247Leu)

Gene: RAD51C (RAD51 paralog C; plus strand). Cytogenetic location: 17q22.
Variant type: single nucleotide variant.
Coding change: c.740C>T on transcript NM_058216.3 (MANE Select); coding-DNA position 740, C replaced by T.
Protein change: p.Pro247Leu; replaces proline 247 with leucine.
Molecular consequence: missense variant. On other transcripts: non-coding transcript variant (1).
Genome position (GRCh38, 1-based): chr17:58,709,893, C>T. VCF-style: chr17-58709893-C-T. GRCh37 (hg19) VCF-style: chr17-56787254-C-T.
Other names: short protein forms P247L.
Identifiers: ClinVar variation 950391 (VCV000950391.16), dbSNP rs2048495457, ClinGen allele CA400353475.